The following is an entry in ClinVar:

NM_005523.6(HOXA11):c.332C>T (p.Ser111Leu)

Genes: HOXA11 (homeobox A11; minus strand), LOC107126281 (NUP98-HOXA11 recombination region; plus strand). Cytogenetic location: 7p15.2.
Variant type: single nucleotide variant.
Coding change: c.332C>T on transcript NM_005523.6 (MANE Select); coding-DNA position 332, C replaced by T.
Protein change: p.Ser111Leu; replaces serine 111 with leucine.
Molecular consequence: missense variant.
Genome position (GRCh38, 1-based): chr7:27,184,813, G>A on the plus strand (C>T on the coding strand, the complement: HOXA11 is on the minus strand). VCF-style: chr7-27184813-G-A. GRCh37 (hg19) VCF-style: chr7-27224432-G-A.
Other names: short protein forms S111L.
Identifiers: ClinVar variation 1310318 (VCV001310318.3), dbSNP rs926107951, ClinGen allele CA155932967.

ClinVar aggregate classification (germline): Uncertain significance. Review status: criteria provided, multiple submitters, no conflicts (2 of 4 stars). 2 submissions from 2 submitters: Uncertain significance (2). Last evaluated 2024-09-30.

Allele frequency attached by ClinVar (database versions not stated): gnomAD 0.00001; TOPMed 0.00001; gnomAD exomes 0.00003.
gnomAD v4.1: 46 of 1,613,718 alleles (0.0029%); highest among the groups gnomAD compares: Non-Finnish European, 0.0037%; no homozygotes.

Submissions (2):

Ambry Genetics
Classification: Uncertain significance. Last evaluated: 2024-09-30. Review status: criteria provided, single submitter. Criteria: Ambry Variant Classification Scheme 2023. Collection method: clinical testing. Allele origin: germline.

GeneDx
Classification: Uncertain significance. Last evaluated: 2019-11-19. Review status: criteria provided, single submitter. Criteria: GeneDx Variant Classification Process June 2021. Collection method: clinical testing. Allele origin: germline. Affected: yes.
Comment: Not observed at a significant frequency in large population cohorts (Lek et al., 2016); In silico analysis, which includes protein predictors and evolutionary conservation, supports a deleterious effect; Has not been previously published as pathogenic or benign to our knowledge